The following is an entry in ClinVar:

NM_020631.6(PLEKHG5):c.411G>T (p.Arg137Ser)

Gene: PLEKHG5 (pleckstrin homology and RhoGEF domain containing G5; minus strand). Cytogenetic location: 1p36.31.
Variant type: single nucleotide variant.
Coding change: c.411G>T on transcript NM_020631.6 (MANE Select); coding-DNA position 411, G replaced by T.
Protein change: p.Arg137Ser; replaces arginine 137 with serine.
Molecular consequence: missense variant.
Genome position (GRCh38, 1-based): chr1:6,474,479, C>A on the plus strand (G>T on the coding strand, the complement: PLEKHG5 is on the minus strand). VCF-style: chr1-6474479-C-A. GRCh37 (hg19) VCF-style: chr1-6534539-C-A.
Other names: c.522G>T, p.Arg174Ser (NM_001042663.3, NM_001265592.2); c.411G>T, p.Arg137Ser (NM_001042664.2, NM_001042665.2, NM_001265594.3 and 1 more transcripts); c.618G>T, p.Arg206Ser (NM_001265593.2); short protein forms R174S, R137S, R206S.
Identifiers: ClinVar variation 962105 (VCV000962105.10), dbSNP rs762546636, ClinGen allele CA561870.
Genomic context (GRCh38, chr1:6,474,479, plus strand): 5'-AGCGGCCCCATTTGGCCCAGGCTGCTTCTCACCTTTGACACGAAGGTAGTGTCCCCCGAA[C>A]CTGTAGGCCTCGAAGGTGAGGGACAGGGGTGTGTTGGACTGGTCCAGGTAGATGTCCACT-3'
Protein context (NP_065682.2, residues 127-147): TPLSLTFEAY[Arg137Ser]FGGHYLRVKA

ClinVar aggregate classification (germline): Uncertain significance. Review status: criteria provided, multiple submitters, no conflicts (2 of 4 stars). 3 submissions from 3 submitters: Uncertain significance (3). Last evaluated 2022-07-21.

Conditions:
Inborn genetic diseases. Identifiers: MedGen C0950123, MeSH D030342.
Charcot-Marie-Tooth disease recessive intermediate C. Also called: CHARCOT-MARIE-TOOTH NEUROPATHY, RECESSIVE INTERMEDIATE C. Identifiers: Orphanet 369867, MedGen C3809309, MONDO:0014154, OMIM 615376.
Neuronopathy, distal hereditary motor, autosomal recessive 4. Also called: NEUROPATHY, DISTAL HEREDITARY MOTOR, AUTOSOMAL RECESSIVE 4; Autosomal recessive lower motor neuron disease with childhood onset. Identifiers: Orphanet 206580, MedGen C1970211, MONDO:0012608, OMIM 611067.

Allele frequency attached by ClinVar (database versions not stated): gnomAD 0.00001; TOPMed 0.00001; ExAC 0.00002; gnomAD exomes 0.00002 and 0.00003.
gnomAD v4.1: 45 of 1,613,868 alleles (0.0028%); highest among the groups gnomAD compares: Non-Finnish European, 0.0038%; no homozygotes.

Submissions (3):

Labcorp Genetics (formerly Invitae), Labcorp
Classification: Uncertain significance for Neuronopathy, distal hereditary motor, autosomal recessive 4; Charcot-Marie-Tooth disease recessive intermediate C. Last evaluated: 2022-07-21. Review status: criteria provided, single submitter. Criteria: Invitae Variant Classification Sherloc (09022015). Collection method: clinical testing. Allele origin: germline.
Comment: This sequence change replaces arginine, which is basic and polar, with serine, which is neutral and polar, at codon 137 of the PLEKHG5 protein (p.Arg137Ser). This variant is present in population databases (rs762546636, gnomAD 0.004%). This variant has not been reported in the literature in individuals affected with PLEKHG5-related conditions. ClinVar contains an entry for this variant (Variation ID: 962105). Algorithms developed to predict the effect of missense changes on protein structure and function are either unavailable or do not agree on the potential impact of this missense change (SIFT: "Tolerated"; PolyPhen-2: "Possibly Damaging"; Align-GVGD: "Class C0"). In summary, the available evidence is currently insufficient to determine the role of this variant in disease. Therefore, it has been classified as a Variant of Uncertain Significance.

Ambry Genetics
Classification: Uncertain significance for Inborn genetic diseases. Last evaluated: 2022-03-08. Review status: criteria provided, single submitter. Criteria: Ambry Variant Classification Scheme 2023. Collection method: clinical testing. Allele origin: germline.
Comment: The p.R137S variant (also known as c.411G>T), located in coding exon 5 of the PLEKHG5 gene, results from a G to T substitution at nucleotide position 411. The arginine at codon 137 is replaced by serine, an amino acid with dissimilar properties. This amino acid position is conserved. In addition, the in silico prediction for this alteration is inconclusive. Since supporting evidence is limited at this time, the clinical significance of this alteration remains unclear.

Baylor Genetics
Classification: Uncertain significance for Charcot-Marie-Tooth disease recessive intermediate C. Last evaluated: 2020-03-27. Review status: criteria provided, single submitter. Criteria: ACMG Guidelines, 2015. Collection method: clinical testing. Allele origin: unknown. Affected: yes.
Comment: This variant was determined to be of uncertain significance according to ACMG Guidelines, 2015 [PMID:25741868].